The following is an entry in ClinVar:

ClinVar aggregate classification (germline): Uncertain significance (1 of 4 stars; one submission).

gnomAD v4.1: 3 of 1,613,590 alleles (0.00019%); highest among the groups gnomAD compares: South Asian, 0.0033%; no homozygotes.

Submission:

Labcorp Genetics (formerly Invitae), Labcorp
Classification: Uncertain significance. Last evaluated: 2025-01-05. Review status: criteria provided, single submitter. Criteria: Invitae Variant Classification Sherloc (09022015). Collection method: clinical testing. Allele origin: germline.
Comment: This sequence change replaces glycine, which is neutral and non-polar, with valine, which is neutral and non-polar, at codon 157 of the TNNI3K protein (p.Gly157Val). The frequency data for this variant in the population databases is considered unreliable, as metrics indicate poor data quality at this position in the gnomAD database. This variant has not been reported in the literature in individuals affected with TNNI3K-related conditions. Invitae Evidence Modeling of protein sequence and biophysical properties (such as structural, functional, and spatial information, amino acid conservation, physicochemical variation, residue mobility, and thermodynamic stability) indicates that this missense variant is not expected to disrupt TNNI3K protein function with a negative predictive value of 80%. In summary, the available evidence is currently insufficient to determine the role of this variant in disease. Therefore, it has been classified as a Variant of Uncertain Significance.

NM_015978.3(TNNI3K):c.470G>T (p.Gly157Val)

Genes: FPGT-TNNI3K (FPGT-TNNI3K readthrough; plus strand), TNNI3K (TNNI3 interacting kinase; plus strand). Cytogenetic location: 1p31.1.
Variant type: single nucleotide variant.
Coding change: c.470G>T on transcript NM_015978.3 (MANE Select); coding-DNA position 470, G replaced by T.
Protein change: p.Gly157Val; replaces glycine 157 with valine.
Molecular consequence: missense variant.
Genome position (GRCh38, 1-based): chr1:74,331,475, G>T. VCF-style: chr1-74331475-G-T. GRCh37 (hg19) VCF-style: chr1-74797159-G-T.
Other names: c.773G>T, p.Gly258Val (NM_001112808.3, NM_001199327.2); short protein forms G157V, G258V.
Identifiers: ClinVar variation 3679385 (VCV003679385.2).